The following is an entry in ClinVar:

NM_006715.4(MAN2C1):c.2109_2141+4delinsAGT

Gene: MAN2C1 (mannosidase alpha class 2C member 1; minus strand). Cytogenetic location: 15q24.2.
Variant type: Indel.
Coding change: c.2109_2141+4delinsAGT on transcript NM_006715.4 (MANE Select); coding-DNA position 2109 through 4 bases into the intron after coding-DNA position 2141, the reference bases replaced by AGT.
Molecular consequence: splice donor variant.
Genome position (GRCh38, 1-based): chr15:75,359,055-75,359,091, 37 bases replaced. GRCh37 (hg19): chr15:75,651,396-75,651,432.
Other names: c.1812_1844+4delinsAGT (NM_001256496.2); c.2109_2141+4delinsAGT (NM_001256495.2); c.2160_2192+4delinsAGT (NM_001256494.2).
Identifiers: ClinVar variation 3366544 (VCV003366544.1).

ClinVar aggregate classification (germline): Likely pathogenic (1 of 4 stars; one submission).

Conditions:
Congenital disorder of deglycosylation 2 (CDDG2). Identifiers: MedGen C5676931, MONDO:0030770, OMIM 619775.

Submission:

Women's Health and Genetics/Laboratory Corporation of America, LabCorp
Classification: Likely pathogenic for Congenital disorder of deglycosylation 2. Last evaluated: 2024-08-01. Review status: criteria provided, single submitter. Criteria: LabCorp Variant Classification Summary - May 2015. Collection method: clinical testing. Allele origin: germline.
Comment: Variant summary: MAN2C1 c.2109_2141+4delinsAGT is located in a canonical splice-site and is predicted to affect mRNA splicing resulting in a significantly altered protein due to either exon skipping, shortening, or inclusion of intronic material. A variant that disrupts a different consensus splice site has been shown to cause aberrant splicing and loss of MAN2C1 function (PMID 35045343). Computational tools predict a significant impact on normal splicing: Two predict the variant abolishes a 5' splicing donor site. However, the effect of this deletion on splicing has yet to be confirmed by functional studies. The variant was absent in 251218 control chromosomes (gnomAD). To our knowledge, no occurrence of c.2109_2141+4delinsAGT in individuals affected with Congenital Disorder Of Deglycosylation 2 and no experimental evidence demonstrating its impact on protein function have been reported. No submitters have cited clinical-significance assessments for this variant to ClinVar. Based on the evidence outlined above, the variant was classified as likely pathogenic.